The following is an entry in ClinVar:

NM_001853.4(COL9A3):c.383T>C (p.Val128Ala)

Gene: COL9A3 (collagen type IX alpha 3 chain; plus strand). Cytogenetic location: 20q13.33.
Variant type: single nucleotide variant.
Coding change: c.383T>C on transcript NM_001853.4 (MANE Select); coding-DNA position 383, T replaced by C.
Protein change: p.Val128Ala; replaces valine 128 with alanine.
Molecular consequence: missense variant.
Genome position (GRCh38, 1-based): chr20:62,821,770, T>C. VCF-style: chr20-62821770-T-C. GRCh37 (hg19) VCF-style: chr20-61453122-T-C.
Other names: short protein forms V128A.
Identifiers: ClinVar variation 2048740 (VCV002048740.4), dbSNP rs1600791104, ClinGen allele CA409588459.

ClinVar aggregate classification (germline): Uncertain significance (1 of 4 stars; one submission).

Allele frequency attached by ClinVar (database versions not stated): gnomAD exomes 0.00001.
gnomAD v4.1: 6 of 1,610,050 alleles (0.00037%); highest among the groups gnomAD compares: Non-Finnish European, 0.00051%; no homozygotes.

Submission:

Labcorp Genetics (formerly Invitae), Labcorp
Classification: Uncertain significance. Last evaluated: 2023-12-26. Review status: criteria provided, single submitter. Criteria: Invitae Variant Classification Sherloc (09022015). Collection method: clinical testing. Allele origin: germline.
Comment: This sequence change replaces valine, which is neutral and non-polar, with alanine, which is neutral and non-polar, at codon 128 of the COL9A3 protein (p.Val128Ala). This variant is not present in population databases (gnomAD no frequency). This variant has not been reported in the literature in individuals affected with COL9A3-related conditions. ClinVar contains an entry for this variant (Variation ID: 2048740). Advanced modeling of protein sequence and biophysical properties (such as structural, functional, and spatial information, amino acid conservation, physicochemical variation, residue mobility, and thermodynamic stability) performed at Invitae indicates that this missense variant is not expected to disrupt COL9A3 protein function with a negative predictive value of 95%. In summary, the available evidence is currently insufficient to determine the role of this variant in disease. Therefore, it has been classified as a Variant of Uncertain Significance.